The following is an entry in ClinVar:

NM_000238.4(KCNH2):c.2398+5G>C

Gene: KCNH2 (potassium voltage-gated channel subfamily H member 2; minus strand). Cytogenetic location: 7q36.1.
Variant type: single nucleotide variant.
Coding change: c.2398+5G>C on transcript NM_000238.4 (MANE Select); 5 bases into the intron after coding-DNA position 2398, G replaced by C.
Molecular consequence: intron variant. On other transcripts: missense variant (5).
Genome position (GRCh38, 1-based): chr7:150,950,163, C>G on the plus strand (G>C on the coding strand, the complement: KCNH2 is on the minus strand). VCF-style: chr7-150950163-C-G. GRCh37 (hg19) VCF-style: chr7-150647251-C-G.
Other names: c.2403G>C, p.Met801Ile (NM_172056.3); c.2110+5G>C (NM_001406753.1); c.1378+5G>C (NM_172057.3); c.1383G>C, p.Met461Ile (NM_001204798.2); c.2226G>C, p.Met742Ile (NM_001406755.1); c.2115G>C, p.Met705Ile (NM_001406756.1); c.2103G>C, p.Met701Ile (NM_001406757.1); short protein forms M801I, M461I, M701I, M742I, M705I.
Identifiers: ClinVar variation 3725641 (VCV003725641.2).

ClinVar aggregate classification (germline): Uncertain significance (1 of 4 stars; one submission).

Conditions:
Long QT syndrome (LQTS). Identifiers: MedGen C0023976, MeSH D008133, MONDO:0002442. Disease mechanism: loss of function. Inheritance: Various modes of inheritance.

Submission:

Labcorp Genetics (formerly Invitae), Labcorp
Classification: Uncertain significance for Long QT syndrome. Last evaluated: 2024-11-19. Review status: criteria provided, single submitter. Criteria: Invitae Variant Classification Sherloc (09022015). Collection method: clinical testing. Allele origin: germline.
Comment: This sequence change falls in intron 9 of the KCNH2 gene. It does not directly change the encoded amino acid sequence of the KCNH2 protein. It affects a nucleotide within the consensus splice site. This variant is not present in population databases (gnomAD no frequency). This variant has been observed in individual(s) with clinical features of Long QT syndrome (internal data). Variants that disrupt the consensus splice site are a relatively common cause of aberrant splicing (PMID: 17576681, 9536098). Algorithms developed to predict the effect of sequence changes on RNA splicing suggest that this variant may disrupt the consensus splice site. This variant disrupts the c.2398+5G>T nucleotide in the KCNH2 gene. Other variant(s) that disrupt this nucleotide have been determined to be pathogenic (PMID: 9536098, 17576681, 19841300). This suggests that this nucleotide is clinically significant, and that variants that disrupt this position are likely to be disease-causing. In summary, the available evidence is currently insufficient to determine the role of this variant in disease. Therefore, it has been classified as a Variant of Uncertain Significance.

Literature cited by the submitters: PubMed 17576681; PubMed 9536098; PubMed 19841300.